The following is an entry in ClinVar:

ClinVar aggregate classification (germline): Uncertain significance (1 of 4 stars; one submission).

Conditions:
Intellectual developmental disorder, X-linked 93. Also called: Intellectual disability, X-linked 93; MENTAL RETARDATION, X-LINKED, WITH MACROCEPHALY. Identifiers: MedGen C1970841, MONDO:0010393, OMIM 300659.

Submission:

Mendelics
Classification: Uncertain significance for Intellectual developmental disorder, X-linked 93. Last evaluated: 2020-07-17. Review status: criteria provided, single submitter. Criteria: Mendelics Assertion Criteria 2017. Collection method: clinical testing. Allele origin: unknown.
Comment: Inherited variant

NM_153252.5(BRWD3):c.1690C>T (p.Leu564Phe)

Gene: BRWD3 (bromodomain and WD repeat domain containing 3; minus strand). Cytogenetic location: Xq21.1.
Variant type: single nucleotide variant.
Coding change: c.1690C>T on transcript NM_153252.5 (MANE Select); coding-DNA position 1690, C replaced by T.
Protein change: p.Leu564Phe; replaces leucine 564 with phenylalanine.
Molecular consequence: missense variant.
Genome position (GRCh38, 1-based): chrX:80,722,748, G>A on the plus strand (C>T on the coding strand, the complement: BRWD3 is on the minus strand). VCF-style: chrX-80722748-G-A. GRCh37 (hg19) VCF-style: chrX-79978247-G-A.
Other names: short protein forms L564F.
Identifiers: ClinVar variation 804043 (VCV000804043.3), dbSNP rs1602352162, ClinGen allele CA413634579.
Genomic context (GRCh38, chrX:80,722,748, plus strand): 5'-TGAGGTGAGGAGCTTGTTGGGTTTGTTCATCCAATACATAGTTATTGGCATCACGAATAA[G>A]AGGACGATAATCCGTGTGGAAGAACATCTGATCTGGAATCTTTATGACAGATTTTTAGTG-3'
Protein context (NP_694984.5, residues 554-574): QMFFHTDYRP[Leu564Phe]IRDANNYVLD